The following is an entry in ClinVar:

NM_000303.3(PMM2):c.559T>C (p.Trp187Arg)

Gene: PMM2 (phosphomannomutase 2; plus strand). Cytogenetic location: 16p13.2.
Variant type: single nucleotide variant.
Coding change: c.559T>C on transcript NM_000303.3 (MANE Select); coding-DNA position 559, T replaced by C.
Protein change: p.Trp187Arg; replaces tryptophan 187 with arginine.
Molecular consequence: missense variant.
Genome position (GRCh38, 1-based): chr16:8,813,026, T>C. VCF-style: chr16-8813026-T-C. GRCh37 (hg19) VCF-style: chr16-8906883-T-C.
Other names: short protein forms W187R.
Identifiers: ClinVar variation 850123 (VCV000850123.8), dbSNP rs781346472, ClinGen allele CA7894133.

ClinVar aggregate classification (germline): Uncertain significance. Review status: criteria provided, multiple submitters, no conflicts (2 of 4 stars). 3 submissions from 3 submitters: Uncertain significance (2). 1 of the submissions does not count toward it. Last evaluated 2026-04-27.

Conditions:
PMM2-congenital disorder of glycosylation. Also called: JAEKEN SYNDROME; CARBOHYDRATE-DEFICIENT GLYCOPROTEIN SYNDROME, TYPE Ia; CDG Ia; PMM2-CDG; PHOSPHOMANNOMUTASE 2 DEFICIENCY; Congenital disorder of glycosylation, type Ia. Identifiers: Orphanet 79318, MedGen C0349653, MONDO:0008907, OMIM 212065.

Allele frequency attached by ClinVar (database versions not stated): ExAC 0.00001; gnomAD 0.00001; gnomAD exomes 0.00001.
gnomAD v4.1: 13 of 1,613,534 alleles (0.00081%); highest among the groups gnomAD compares: African/African-American, 0.0013%; no homozygotes.

Submissions (3):

Myriad Genetics, Inc.
Classification: Uncertain significance for PMM2-congenital disorder of glycosylation. Last evaluated: 2026-04-27. Review status: criteria provided, single submitter. Criteria: Myriad Autosomal Dominant, Autosomal Recessive and X-Linked Classification Criteria (2023). Collection method: clinical testing. Allele origin: unknown.
Comment: NM_000303.2(PMM2):c.559T>C(W187R) is a missense variant classified as a variant of uncertain significance in the context of congenital disorder of glycosylation, PMM2-related. W187R has been observed in a case with relevant disease (PMID: 39105373). Relevant functional assessments of this variant are not available in the literature. W187R has been observed in referenced population frequency databases. In summary, there is insufficient evidence to classify NM_000303.2(PMM2):c.559T>C(W187R) as pathogenic or benign. Please note: this variant was assessed in the context of healthy population screening.

Labcorp Genetics (formerly Invitae), Labcorp
Classification: Uncertain significance for PMM2-congenital disorder of glycosylation. Last evaluated: 2022-01-14. Review status: criteria provided, single submitter. Criteria: Invitae Variant Classification Sherloc (09022015). Collection method: clinical testing. Allele origin: germline.
Comment: This sequence change replaces tryptophan, which is neutral and slightly polar, with arginine, which is basic and polar, at codon 187 of the PMM2 protein (p.Trp187Arg). This variant is present in population databases (rs781346472, gnomAD 0.004%). This variant has not been reported in the literature in individuals affected with PMM2-related conditions. ClinVar contains an entry for this variant (Variation ID: 850123). Algorithms developed to predict the effect of missense changes on protein structure and function (SIFT, PolyPhen-2, Align-GVGD) all suggest that this variant is likely to be disruptive. In summary, the available evidence is currently insufficient to determine the role of this variant in disease. Therefore, it has been classified as a Variant of Uncertain Significance.

Natera, Inc.
Classification: Uncertain significance for Congenital disorder of glycosylation type 1a. Last evaluated: 2020-08-01. Review status: no assertion criteria provided. Collection method: clinical testing. Allele origin: germline. Not counted in ClinVar's aggregate classification.

Literature cited by the submitters: PubMed 39105373 (cited by Myriad Genetics, Inc.).